The following is an entry in ClinVar:

ClinVar aggregate classification (germline): Conflicting classifications of pathogenicity. Review status: criteria provided, conflicting classifications (1 of 4 stars). 2 submissions from 2 submitters: Uncertain significance (1); Likely benign (1). Last evaluated 2023-10-16.

Conditions:
Gorlin syndrome. Also called: Basal cell nevus syndrome; Nevoid Basal Cell Carcinoma Syndrome. Identifiers: Orphanet 377, MedGen C0004779, MONDO:0007187.
Hereditary cancer-predisposing syndrome. Also called: Hereditary Cancer Syndrome; Neoplastic Syndromes, Hereditary; Hereditary neoplastic syndrome; Tumor predisposition. Identifiers: Orphanet 140162, MedGen C0027672, MeSH D009386, MONDO:0015356.

Allele frequency attached by ClinVar (database versions not stated): gnomAD exomes 0.00001.
gnomAD v4.1: 9 of 1,614,078 alleles (0.00056%); highest among the groups gnomAD compares: Non-Finnish European, 0.00068%; no homozygotes.

Submissions (2):

Labcorp Genetics (formerly Invitae), Labcorp
Classification: Likely benign for Gorlin syndrome. Last evaluated: 2023-10-16. Review status: criteria provided, single submitter. Criteria: Invitae Variant Classification Sherloc (09022015). Collection method: clinical testing. Allele origin: germline.

Ambry Genetics
Classification: Uncertain significance for Hereditary cancer-predisposing syndrome. Last evaluated: 2022-11-17. Review status: criteria provided, single submitter. Criteria: Ambry Variant Classification Scheme 2023. Collection method: clinical testing. Allele origin: germline.
Comment: The p.K333R variant (also known as c.998A>G), located in coding exon 7 of the PTCH1 gene, results from an A to G substitution at nucleotide position 998. The lysine at codon 333 is replaced by arginine, an amino acid with highly similar properties. This amino acid position is conserved. In addition, this alteration is predicted to be deleterious by in silico analysis. Since supporting evidence is limited at this time, the clinical significance of this alteration remains unclear.

NM_000264.5(PTCH1):c.998A>G (p.Lys333Arg)

Gene: PTCH1 (patched 1; minus strand). Cytogenetic location: 9q22.32.
Variant type: single nucleotide variant.
Coding change: c.998A>G on transcript NM_000264.5 (MANE Select); coding-DNA position 998, A replaced by G.
Protein change: p.Lys333Arg; replaces lysine 333 with arginine.
Molecular consequence: missense variant. On other transcripts: non-coding transcript variant (1).
Genome position (GRCh38, 1-based): chr9:95,480,038, T>C on the plus strand (A>G on the coding strand, the complement: PTCH1 is on the minus strand). VCF-style: chr9-95480038-T-C. GRCh37 (hg19) VCF-style: chr9-98242320-T-C.
Other names: c.800A>G, p.Lys267Arg (NM_001083602.3); c.995A>G, p.Lys332Arg (NM_001083603.3); c.545A>G, p.Lys182Arg (NM_001083604.3, NM_001083605.3, NM_001083606.3 and 1 more transcripts); c.998A>G, p.Lys333Arg (NM_001354918.2); short protein forms K267R, K333R, K182R, K332R.
Identifiers: ClinVar variation 1982929 (VCV001982929.6), dbSNP rs1238175144, ClinGen allele CA374119709.